The following is an entry in ClinVar:

ClinVar aggregate classification (germline): Uncertain significance. Review status: criteria provided, multiple submitters, no conflicts (2 of 4 stars). 4 submissions from 4 submitters: Uncertain significance (3). 1 of the submissions does not count toward it. Last evaluated 2025-10-23.

Conditions:
Inborn genetic diseases. Identifiers: MedGen C0950123, MeSH D030342.
Glucose-6-phosphate transport defect (GSD1B). Also called: GSD Ib; Glycogen Storage Disease Type Ib. Identifiers: Orphanet 364, Orphanet 79259, MedGen C0268146, MONDO:0009288, OMIM 232220.

Allele frequency attached by ClinVar (database versions not stated): TOPMed 0.00001.

Submissions (4):

Labcorp Genetics (formerly Invitae), Labcorp
Classification: Uncertain significance for Glucose-6-phosphate transport defect. Last evaluated: 2025-10-23. Review status: criteria provided, single submitter. Criteria: Invitae Variant Classification Sherloc (09022015). Collection method: clinical testing. Allele origin: germline.
Comment: This sequence change replaces methionine, which is neutral and non-polar, with isoleucine, which is neutral and non-polar, at codon 202 of the SLC37A4 protein (p.Met202Ile). This variant is present in population databases (no rsID available, gnomAD 0.003%). This variant has not been reported in the literature in individuals affected with SLC37A4-related conditions. ClinVar contains an entry for this variant (Variation ID: 969052). Invitae Evidence Modeling of protein sequence and biophysical properties (such as structural, functional, and spatial information, amino acid conservation, physicochemical variation, residue mobility, and thermodynamic stability) indicates that this missense variant is not expected to disrupt SLC37A4 protein function with a negative predictive value of 80%. In summary, the available evidence is currently insufficient to determine the role of this variant in disease. Therefore, it has been classified as a Variant of Uncertain Significance.

CeGaT Center for Human Genetics Tuebingen
Classification: Uncertain significance. Last evaluated: 2023-02-01. Review status: criteria provided, single submitter. Criteria: CeGaT Center For Human Genetics Tuebingen Variant Classification Criteria Version 2. Collection method: clinical testing. Allele origin: germline. Affected: yes. Observed: 1 variant allele.
Comment: SLC37A4: PM2, BP1, BP4

Ambry Genetics
Classification: Uncertain significance for Inborn genetic diseases. Last evaluated: 2023-01-19. Review status: criteria provided, single submitter. Criteria: Ambry Variant Classification Scheme 2023. Collection method: clinical testing. Allele origin: germline.
Comment: The p.M202I variant (also known as c.606G>A), located in coding exon 3 of the SLC37A4 gene, results from a G to A substitution at nucleotide position 606. The methionine at codon 202 is replaced by isoleucine, an amino acid with highly similar properties. This amino acid position is conserved. In addition, this alteration is predicted to be tolerated by in silico analysis. Since supporting evidence is limited at this time, the clinical significance of this alteration remains unclear.

Natera, Inc.
Classification: Uncertain significance for Glycogen storage disease type Ib. Last evaluated: 2020-05-27. Review status: no assertion criteria provided. Collection method: clinical testing. Allele origin: germline. Not counted in ClinVar's aggregate classification.

NM_001164277.2(SLC37A4):c.606G>A (p.Met202Ile)

Gene: SLC37A4 (solute carrier family 37 member 4; minus strand). Cytogenetic location: 11q23.3.
Variant type: single nucleotide variant.
Coding change: c.606G>A on transcript NM_001164277.2 (MANE Select); coding-DNA position 606, G replaced by A.
Protein change: p.Met202Ile; replaces methionine 202 with isoleucine.
Molecular consequence: missense variant.
Genome position (GRCh38, 1-based): chr11:119,027,647, C>T on the plus strand (G>A on the coding strand, the complement: SLC37A4 is on the minus strand). VCF-style: chr11-119027647-C-T. GRCh37 (hg19) VCF-style: chr11-118898357-C-T.
Other names: c.606G>A (NM_001467.5); c.606G>A, p.Met202Ile (NM_001164278.2, NM_001164280.2, NM_001467.6); c.387G>A, p.Met129Ile (NM_001164279.2); short protein forms M129I, M202I.
Identifiers: ClinVar variation 969052 (VCV000969052.34), dbSNP rs764654621, ClinGen allele CA382901915.